The following is an entry in ClinVar:

ClinVar aggregate classification (germline): Uncertain significance. Review status: criteria provided, multiple submitters, no conflicts (2 of 4 stars). 3 submissions from 3 submitters: Uncertain significance (3). Last evaluated 2025-09-22.

Conditions:
Inborn genetic diseases. Identifiers: MedGen C0950123, MeSH D030342.
Zellweger spectrum disorders (ZS). Also called: Zellweger Spectrum Disorder; Zellweger Spectrum; Zellweger syndrome; Zellweger Spectrum Disorder (ZSD). Identifiers: Orphanet 912, MedGen C0043459, MONDO:0019609.

Allele frequency attached by ClinVar (database versions not stated): ExAC 0.00001.

Submissions (3):

Ambry Genetics
Classification: Uncertain significance for Inborn genetic diseases. Last evaluated: 2025-09-22. Review status: criteria provided, single submitter. Criteria: Ambry Variant Classification Scheme 2023. Collection method: clinical testing. Allele origin: germline.

Blueprint Genetics
Classification: Uncertain significance. Last evaluated: 2022-06-23. Review status: criteria provided, single submitter. Criteria: ACMG Guidelines, 2015. Collection method: clinical testing. Allele origin: germline.

Labcorp Genetics (formerly Invitae), Labcorp
Classification: Uncertain significance for Zellweger spectrum disorders. Last evaluated: 2021-09-01. Review status: criteria provided, single submitter. Criteria: Invitae Variant Classification Sherloc (09022015). Collection method: clinical testing. Allele origin: germline.
Comment: This sequence change replaces glutamine with histidine at codon 582 of the PEX1 protein (p.Gln582His). The glutamine residue is moderately conserved and there is a small physicochemical difference between glutamine and histidine. This variant is present in population databases (rs750015247, ExAC 0.001%). This variant has not been reported in the literature in individuals affected with PEX1-related conditions. Advanced modeling of protein sequence and biophysical properties (such as structural, functional, and spatial information, amino acid conservation, physicochemical variation, residue mobility, and thermodynamic stability) performed at Invitae indicates that this missense variant is not expected to disrupt PEX1 protein function. In summary, the available evidence is currently insufficient to determine the role of this variant in disease. Therefore, it has been classified as a Variant of Uncertain Significance.

NM_000466.3(PEX1):c.1746G>C (p.Gln582His)

Gene: PEX1 (peroxisomal biogenesis factor 1; minus strand). Cytogenetic location: 7q21.2.
Variant type: single nucleotide variant.
Coding change: c.1746G>C on transcript NM_000466.3 (MANE Select); coding-DNA position 1746, G replaced by C.
Protein change: p.Gln582His; replaces glutamine 582 with histidine.
Molecular consequence: missense variant.
Genome position (GRCh38, 1-based): chr7:92,507,051, C>G on the plus strand (G>C on the coding strand, the complement: PEX1 is on the minus strand). VCF-style: chr7-92507051-C-G. GRCh37 (hg19) VCF-style: chr7-92136365-C-G.
Other names: c.1746G>C (NM_000466.2); c.1746G>C, p.Gln582His (NM_001282677.2); c.1122G>C, p.Gln374His (NM_001282678.2); short protein forms Q374H, Q582H.
Identifiers: ClinVar variation 2173334 (VCV002173334.3), dbSNP rs750015247, ClinGen allele CA4341311.